The following is an entry in ClinVar:

ClinVar aggregate classification (germline): Uncertain significance (1 of 4 stars; one submission).

Allele frequency attached by ClinVar (database versions not stated): gnomAD exomes below 0.00001; ExAC 0.00001.
gnomAD v4.1: 1 of 1,209,149 alleles (0.000083%); highest among the groups gnomAD compares: Admixed American, 0.0022%; no homozygotes.

Submission:

Labcorp Genetics (formerly Invitae), Labcorp
Classification: Uncertain significance. Last evaluated: 2024-06-17. Review status: criteria provided, single submitter. Criteria: Invitae Variant Classification Sherloc (09022015). Collection method: clinical testing. Allele origin: germline.
Comment: This sequence change replaces tyrosine, which is neutral and polar, with cysteine, which is neutral and slightly polar, at codon 207 of the PHEX protein (p.Tyr207Cys). This variant is present in population databases (rs763461759, gnomAD 0.004%), including at least one homozygous and/or hemizygous individual. This variant has not been reported in the literature in individuals affected with PHEX-related conditions. Advanced modeling of protein sequence and biophysical properties (such as structural, functional, and spatial information, amino acid conservation, physicochemical variation, residue mobility, and thermodynamic stability) performed at Invitae indicates that this missense variant is expected to disrupt PHEX protein function with a positive predictive value of 80%. In summary, the available evidence is currently insufficient to determine the role of this variant in disease. Therefore, it has been classified as a Variant of Uncertain Significance.

NM_000444.6(PHEX):c.620A>G (p.Tyr207Cys)

Gene: PHEX (phosphate regulating endopeptidase X-linked; plus strand). Cytogenetic location: Xp22.11.
Variant type: single nucleotide variant.
Coding change: c.620A>G on transcript NM_000444.6 (MANE Select); coding-DNA position 620, A replaced by G.
Protein change: p.Tyr207Cys; replaces tyrosine 207 with cysteine.
Molecular consequence: missense variant.
Genome position (GRCh38, 1-based): chrX:22,077,659, A>G. VCF-style: chrX-22077659-A-G. GRCh37 (hg19) VCF-style: chrX-22095777-A-G.
Other names: c.620A>G, p.Tyr207Cys (NM_001282754.2); short protein forms Y207C.
Identifiers: ClinVar variation 2782017 (VCV002782017.3), dbSNP rs763461759, ClinGen allele CA10368066.
Genomic context (GRCh38, chrX:22,077,659, plus strand): 5'-TTCTGCAGACACTTGCAACGTTTCGTGGTCAATACAGCAATTCTGTGTTCATCCGTTTGT[A>G]TGTGTCCCCTGATGACAAAGCATCCAATGAACATATCTTGAAGGTATAATGAGGACCCAT-3'
Protein context (NP_000435.3, residues 197-217): QYSNSVFIRL[Tyr207Cys]VSPDDKASNE